The following is an entry in ClinVar:

ClinVar aggregate classification (germline): Pathogenic (1 of 4 stars; one submission).

Conditions:
NUS1-related neurodevelopmental disorder.

Submission:

Division of Genetic & Genomic Pathology, Hong Kong Children's Hospital
Classification: Pathogenic for NUS1-related neurodevelopmental disorder. Last evaluated: 2025-02-01. Review status: criteria provided, single submitter. Criteria: ACMG Guidelines, 2015. Collection method: clinical testing. Allele origin: de novo. Affected: yes.
Comment: The variant NUS1 c.105G>A p.(Trp35*) creates a premature stop codon in exon 1 (out of 5 exons). It is predicted to induce nonsense mediated decay in a gene in which loss-of-function is an established disease mechanism (PMID: 29100083, 31656175). This variant is absent in control populations (gnomAD v.2.1.1 and gnomAD v.4.1.0). It has not been reported in ClinVar, but another nonsense variant (c.104G>A p.Trp35*) creating the same stop codon has been reported to be pathogenic in ClinVar (VCV000985983.4), and in an individual with tremor, intellectual disability and seizure (PMID: 32959737). For these reasons, this variant is classified as pathogenic.

Literature cited by the submitters: PubMed 29100083; PubMed 31656175; PubMed 32959737.

NM_138459.5(NUS1):c.105G>A (p.Trp35Ter)

Gene: NUS1 (NUS1 dehydrodolichyl diphosphate synthase subunit; plus strand). Cytogenetic location: 6q22.1.
Variant type: single nucleotide variant.
Coding change: c.105G>A on transcript NM_138459.5 (MANE Select); coding-DNA position 105, G replaced by A.
Protein change: p.Trp35Ter; replaces tryptophan 35 with a stop codon.
Molecular consequence: nonsense.
Genome position (GRCh38, 1-based): chr6:117,675,775, G>A. VCF-style: chr6-117675775-G-A. GRCh37 (hg19) VCF-style: chr6-117996938-G-A.
Other names: short protein forms W35*.
Identifiers: ClinVar variation 4884412 (VCV004884412.1).